The following is an entry in ClinVar:

ClinVar aggregate classification (germline): Likely benign (1 of 4 stars; one submission).

Submission:

CeGaT Center for Human Genetics Tuebingen
Classification: Likely benign. Last evaluated: 2026-03-01. Review status: criteria provided, single submitter. Criteria: CeGaT Center For Human Genetics Tuebingen Variant Classification Criteria Version 2. Collection method: clinical testing. Allele origin: germline. Affected: yes. Observed: 1 variant allele.
Comment: MAP1B: PM2:Supporting, BP4, BP7

NM_005909.5(MAP1B):c.720A>G (p.Pro240=)

Gene: MAP1B (microtubule associated protein 1B; plus strand). Cytogenetic location: 5q13.2.
Variant type: single nucleotide variant.
Coding change: c.720A>G on transcript NM_005909.5 (MANE Select); coding-DNA position 720, A replaced by G.
Protein change: p.Pro240=; no amino-acid change (proline 240 retained).
Molecular consequence: synonymous variant.
Genome position (GRCh38, 1-based): chr5:72,194,075, A>G. VCF-style: chr5-72194075-A-G. GRCh37 (hg19) VCF-style: chr5-71489902-A-G.
Other names: c.342A>G, p.Pro114= (NM_001324255.2).
Identifiers: ClinVar variation 4823781 (VCV004823781.4).